The following is an entry in ClinVar:

NM_001283009.2(RTEL1):c.2142-3del

Genes: RTEL1-TNFRSF6B (RTEL1-TNFRSF6B readthrough (NMD candidate); plus strand), RTEL1 (regulator of telomere elongation helicase 1; plus strand). Cytogenetic location: 20q13.33.
Variant type: Deletion.
Coding change: c.2142-3del on transcript NM_001283009.2 (MANE Select); 3 bases into the intron before coding-DNA position 2142, one base deleted (C; older notation c.2142-3delC).
Molecular consequence: intron variant.
Genome position (GRCh38, 1-based): chr20:63,690,084, C deleted; the last of 6 consecutive C bases (chr20:63,690,079-63,690,084); deleting any one gives the same sequence. VCF-style (leftmost placement, unchanged base first): chr20-63690078-AC-A. GRCh37 (hg19) VCF-style: chr20-62321431-AC-A.
Other names: c.1473-3del (NM_001283010.1); c.2214-3del (NM_032957.5); c.2142-3del (NM_016434.4).
Identifiers: ClinVar variation 1165540 (VCV001165540.10), dbSNP rs755965232, ClinGen allele CA9965200.

ClinVar aggregate classification (germline): Conflicting classifications of pathogenicity. Review status: criteria provided, conflicting classifications (1 of 4 stars). 2 submissions from 2 submitters: Uncertain significance (1); Benign (1). Last evaluated 2025-09-10.

Conditions:
Dyskeratosis congenita, autosomal recessive 5 (DKCB5). Identifiers: MedGen C3554656, MONDO:0014076, OMIM 615190.
Pulmonary fibrosis and/or bone marrow failure, Telomere-related, 3. Also called: PULMONARY FIBROSIS AND/OR BONE MARROW FAILURE SYNDROME, TELOMERE-RELATED, 3. Identifiers: Orphanet 2032, MedGen C4225346, MONDO:0014613, OMIM 616373.
Dyskeratosis congenita. Identifiers: Orphanet 1775, MedGen C0265965, MONDO:0015780.

Submissions (2):

Labcorp Genetics (formerly Invitae), Labcorp
Classification: Benign for Dyskeratosis congenita, autosomal recessive 5; Pulmonary fibrosis and/or bone marrow failure, Telomere-related, 3. Last evaluated: 2025-09-10. Review status: criteria provided, single submitter. Criteria: Invitae Variant Classification Sherloc (09022015). Collection method: clinical testing. Allele origin: germline.

Sema4
Classification: Uncertain significance for Dyskeratosis congenita. Last evaluated: 2022-01-06. Review status: criteria provided, single submitter. Criteria: Sema4 Curation Guidelines. Collection method: curation. Allele origin: germline.
Comment: The RTEL1 c.2142-3delC variant has not been reported in the literature to our knowledge. This variant has been reported in 5/9928 chromosomes in the Ashkenazi Jewish subpopulation in the large and broad cohorts of the Genome Aggregation Database (PMID: 32461654). This variant has not been reported in ClinVar. The evidence is insufficient to meet ACMG/AMP criteria for classifying the variant as benign or pathogenic. Thus, the clinical significance of this variant is currently uncertain.